The following is an entry in ClinVar:

ClinVar aggregate classification (germline): Likely pathogenic (1 of 4 stars; one submission).

Submission:

Dasa
Classification: Likely pathogenic. Last evaluated: 2024-06-11. Review status: criteria provided, single submitter. Criteria: DASA Assertion Criteria. Collection method: clinical testing. Allele origin: germline.
Comment: NM_001282717.2(STAG3):c.277_280del (p.Glu94Hisfs*10) is a frameshift variant in STAG3 predicted to alter the reading frame and introduce a premature termination codon and is predicted to result in an absent or altered protein product. Loss of function is an established disease mechanism for STAG3-associated disorders. Also, this variant is rare in population databases. Based on the currently available evidence, this variant is classified as likely pathogenic.

NM_001282717.2(STAG3):c.277_280del (p.Glu94fs)

Gene: STAG3 (STAG3 cohesin complex component; plus strand). Cytogenetic location: 7q22.1.
Variant type: Deletion.
Coding change: c.277_280del on transcript NM_001282717.2 (MANE Select); coding-DNA positions 277 to 280, 4 bases deleted (TCAG; older notation c.277_280delTCAG).
Protein change: p.Glu94fs; shifts the reading frame from glutamic acid 94.
Molecular consequence: frameshift variant.
Genome position (GRCh38, 1-based): chr7:100,182,780-100,182,783, TCAG deleted; deleting any 4 consecutive bases within chr7:100,182,777-100,182,783 gives the same sequence; the c. name uses the placement nearest the transcript's 3' end. VCF-style (leftmost placement, unchanged base first): chr7-100182776-ACAGT-A. GRCh37 (hg19) VCF-style: chr7-99780399-ACAGT-A.
Other names: c.277_280del, p.Glu94fs (NM_001282718.2, NM_001375438.1, NM_012447.4 and 1 more transcripts); short protein forms E94fs.
Identifiers: ClinVar variation 4856844 (VCV004856844.2).
Genomic context (GRCh38, chr7:100,182,776, plus strand): 5'-ATATTAGGTGGCAAAACATCCAAAGAAAGGGTCCCGAGTGGTACATCGTCATAGCCGGAA[ACAGT>A]CAGAGCCACCAGCCAATGATCTTTTCAATGCTGTGAAAGCCGCCAAAAGTGACATGCAGG-3'